The following is an entry in ClinVar:

ClinVar aggregate classification (germline): Uncertain significance (1 of 4 stars; one submission).

Allele frequency attached by ClinVar (database versions not stated): gnomAD exomes below 0.00001.
gnomAD v4.1: 5 of 1,206,397 alleles (0.00041%); highest among the groups gnomAD compares: Non-Finnish European, 0.00056%; no homozygotes.

Submission:

Labcorp Genetics (formerly Invitae), Labcorp
Classification: Uncertain significance. Last evaluated: 2022-06-03. Review status: criteria provided, single submitter. Criteria: Invitae Variant Classification Sherloc (09022015). Collection method: clinical testing. Allele origin: germline.
Comment: This sequence change replaces phenylalanine, which is neutral and non-polar, with tyrosine, which is neutral and polar, at codon 1133 of the POLA1 protein (p.Phe1133Tyr). This variant is not present in population databases (gnomAD no frequency). This variant has not been reported in the literature in individuals affected with POLA1-related conditions. ClinVar contains an entry for this variant (Variation ID: 1465504). Algorithms developed to predict the effect of missense changes on protein structure and function (SIFT, PolyPhen-2, Align-GVGD) all suggest that this variant is likely to be tolerated. In summary, the available evidence is currently insufficient to determine the role of this variant in disease. Therefore, it has been classified as a Variant of Uncertain Significance.

NM_001330360.2(POLA1):c.3416T>A (p.Phe1139Tyr)

Gene: POLA1 (DNA polymerase alpha 1, catalytic subunit; plus strand). Cytogenetic location: Xp22.11.
Variant type: single nucleotide variant.
Coding change: c.3416T>A on transcript NM_001330360.2 (MANE Select); coding-DNA position 3416, T replaced by A.
Protein change: p.Phe1139Tyr; replaces phenylalanine 1139 with tyrosine.
Molecular consequence: missense variant. On other transcripts: non-coding transcript variant (2).
Genome position (GRCh38, 1-based): chrX:24,815,098, T>A. VCF-style: chrX-24815098-T-A. GRCh37 (hg19) VCF-style: chrX-24833215-T-A.
Other names: c.3341T>A, p.Phe1114Tyr (NM_001378303.1); c.3398T>A, p.Phe1133Tyr (NM_016937.4); short protein forms F1114Y, F1133Y, F1139Y.
Identifiers: ClinVar variation 1465504 (VCV001465504.8), dbSNP rs1471740978, ClinGen allele CA412525901.
Genomic context (GRCh38, chrX:24,815,098, plus strand): 5'-AGAAGAGGCTGATAGAAATTGGAGAAAATGTGCTAAATGGCAGTGTCCCAGTGAGCCAGT[T>A]TGAAATTAACAAGGTAAATGTAGCATTTATTGCTGAGCCCAGCTGCTGTCATGTGTTTTT-3'
Protein context (NP_001317289.1, residues 1129-1149): VLNGSVPVSQ[Phe1139Tyr]EINKALTKDP